The following is an entry in ClinVar:

ClinVar aggregate classification (germline): Pathogenic (1 of 4 stars; one submission).

Conditions:
Primary ciliary dyskinesia. Also called: Ciliary dyskinesia. Identifiers: Orphanet 244, MedGen C0008780, MONDO:0016575, HP:0012265.

Submission:

Labcorp Genetics (formerly Invitae), Labcorp
Classification: Pathogenic for Primary ciliary dyskinesia. Last evaluated: 2021-12-28. Review status: criteria provided, single submitter. Criteria: Invitae Variant Classification Sherloc (09022015). Collection method: clinical testing. Allele origin: germline.
Comment: For these reasons, this variant has been classified as Pathogenic. This variant disrupts a region of the RPGR (ORF15) protein in which other variant(s) (p.Leu1130Lysfs*13) have been determined to be pathogenic (PMID: 22264887; Invitae). This suggests that this is a clinically significant region of the protein, and that variants that disrupt it are likely to be disease-causing. This variant has not been reported in the literature in individuals affected with RPGR (ORF15)-related conditions. This variant is not present in population databases (gnomAD no frequency). This sequence change creates a premature translational stop signal (p.Glu1083Valfs*17) in the RPGR (ORF15) gene. While this is not anticipated to result in nonsense mediated decay, it is expected to disrupt the last 70 amino acid(s) of the RPGR (ORF15) protein.

Literature cited by the submitters: PubMed 22264887.

NM_001034853.2(RPGR):c.3248_3252del (p.Glu1083fs)

Gene: RPGR (retinitis pigmentosa GTPase regulator; minus strand). Cytogenetic location: Xp11.4.
Variant type: Deletion.
Coding change: c.3248_3252del on transcript NM_001034853.2 (MANE Select); coding-DNA positions 3248 to 3252, 5 bases deleted (AGGAG; older notation c.3248_3252delAGGAG).
Protein change: p.Glu1083fs; shifts the reading frame from glutamic acid 1083.
Molecular consequence: frameshift variant. On other transcripts: intron variant (8).
Genome position (GRCh38, 1-based): chrX:38,285,747-38,285,751, CTCCT deleted on the plus strand (AGGAG on the coding strand, the reverse complement: RPGR is on the minus strand); deleting any 5 consecutive bases within chrX:38,285,747-38,285,755 gives the same sequence; the c. name uses the placement nearest the transcript's 3' end. VCF-style (leftmost placement, unchanged base first): chrX-38285746-ACTCCT-A. GRCh37 (hg19) VCF-style: chrX-38144999-ACTCCT-A.
Other names: c.1905+1343_1905+1347del (NM_000328.3); c.1602+5208_1602+5212del (NM_001367248.1); c.1569+5208_1569+5212del (NM_001367249.1, NM_001367250.1); c.1902+1343_1902+1347del (NM_001367245.1); c.1386+5208_1386+5212del (NM_001367251.1); c.1719+1343_1719+1347del (NM_001367246.1); c.1572+5208_1572+5212del (NM_001367247.1); short protein forms E1083fs.
Identifiers: ClinVar variation 2064369 (VCV002064369.4), dbSNP rs2519780546, ClinGen allele CA2580100797.